The following is an entry in ClinVar:

ClinVar aggregate classification (germline): Uncertain significance (1 of 4 stars; one submission).

Conditions:
3-methylglutaconic aciduria, type VIIB (MGCA7B). Also called: 3-methylglutaconic aciduria with cataracts, neurologic involvement and neutropenia; 3-methylglutaconic aciduria, type VII, with cataracts, neurologic involvement and neutropenia; CLPB Deficiency. Identifiers: Orphanet 445038, MedGen C5676893, MONDO:0014561, OMIM 616271.

Allele frequency attached by ClinVar (database versions not stated): ExAC 0.00001.
gnomAD v4.1: 7 of 1,613,816 alleles (0.00043%); highest among the groups gnomAD compares: East Asian, 0.013%; no homozygotes.

Submission:

Labcorp Genetics (formerly Invitae), Labcorp
Classification: Uncertain significance for 3-methylglutaconic aciduria, type VIIB. Last evaluated: 2025-08-11. Review status: criteria provided, single submitter. Criteria: Invitae Variant Classification Sherloc (09022015). Collection method: clinical testing. Allele origin: germline.
Comment: This sequence change replaces alanine, which is neutral and non-polar, with valine, which is neutral and non-polar, at codon 636 of the CLPB protein (p.Ala636Val). This variant is present in population databases (rs760773250, gnomAD 0.02%). This variant has not been reported in the literature in individuals affected with CLPB-related conditions. ClinVar contains an entry for this variant (Variation ID: 1951895). An algorithm developed to predict the effect of missense changes on protein structure and function (PolyPhen-2) suggests that this variant is likely to be disruptive. In summary, the available evidence is currently insufficient to determine the role of this variant in disease. Therefore, it has been classified as a Variant of Uncertain Significance.

NM_001258392.3(CLPB):c.1817C>T (p.Ala606Val)

Gene: CLPB (ClpB family mitochondrial disaggregase; minus strand). Cytogenetic location: 11q13.4.
Variant type: single nucleotide variant.
Coding change: c.1817C>T on transcript NM_001258392.3 (MANE Select); coding-DNA position 1817, C replaced by T.
Protein change: p.Ala606Val; replaces alanine 606 with valine.
Molecular consequence: missense variant.
Genome position (GRCh38, 1-based): chr11:72,293,584, G>A on the plus strand (C>T on the coding strand, the complement: CLPB is on the minus strand). VCF-style: chr11-72293584-G-A. GRCh37 (hg19) VCF-style: chr11-72004628-G-A.
Other names: c.1730C>T, p.Ala577Val (NM_001258393.3); c.1772C>T, p.Ala591Val (NM_001258394.3); c.1907C>T, p.Ala636Val (NM_030813.6); short protein forms A591V, A606V, A577V, A636V.
Identifiers: ClinVar variation 1951895 (VCV001951895.5), dbSNP rs760773250, ClinGen allele CA6171017.